The following is an entry in ClinVar:

NM_001267550.2(TTN):c.44590G>T (p.Val14864Phe)

Gene: TTN (titin; minus strand). Cytogenetic location: 2q31.2.
Variant type: single nucleotide variant.
Coding change: c.44590G>T on transcript NM_001267550.2 (MANE Select); coding-DNA position 44590, G replaced by T.
Protein change: p.Val14864Phe; replaces valine 14864 with phenylalanine.
Molecular consequence: missense variant.
Genome position (GRCh38, 1-based): chr2:178,624,690, C>A on the plus strand (G>T on the coding strand, the complement: TTN is on the minus strand). VCF-style: chr2-178624690-C-A. GRCh37 (hg19) VCF-style: chr2-179489417-C-A.
Other names: c.39667G>T, p.Val13223Phe (NM_001256850.1); c.17395G>T, p.Val5799Phe (NM_003319.4); c.36886G>T, p.Val12296Phe (NM_133378.4); c.17770G>T, p.Val5924Phe (NM_133432.3); c.17971G>T, p.Val5991Phe (NM_133437.4); short protein forms V12296F, V13223F, V14864F, V5799F, V5924F, V5991F.
Identifiers: ClinVar variation 3600809 (VCV003600809.1).

ClinVar aggregate classification (germline): Uncertain significance (1 of 4 stars; one submission).

gnomAD v4.1: 4 of 1,612,436 alleles (0.00025%); highest among the groups gnomAD compares: Admixed American, 0.0067%; no homozygotes.

Submission:

GeneDx
Classification: Uncertain significance. Last evaluated: 2024-07-23. Review status: criteria provided, single submitter. Criteria: GeneDx Variant Classification Process June 2021. Collection method: clinical testing. Allele origin: germline. Affected: yes.
Comment: Not observed at significant frequency in large population cohorts (gnomAD); Missense variant in a gene in which most reported pathogenic variants are truncating/loss of function; Has not been previously published as pathogenic or benign to our knowledge